The following is an entry in ClinVar:

NM_015443.4(KANSL1):c.122A>G (p.Asn41Ser)

Gene: KANSL1 (KAT8 regulatory NSL complex subunit 1). Cytogenetic location: 17q21.31.
Variant type: single nucleotide variant.
Coding change: c.122A>G on transcript NM_015443.4 (MANE Select); coding-DNA position 122, A replaced by G.
Protein change: p.Asn41Ser; replaces asparagine 41 with serine.
Molecular consequence: missense variant.
Genome position (GRCh38, 1-based): chr17:46,172,022, T>C on the plus strand (A>G on the coding strand, the complement: KANSL1 is on the minus strand). VCF-style: chr17-46172022-T-C. GRCh37 (hg19) VCF-style: chr17-44249388-T-C.
Other names: p.N41S:AAC>AGC; c.122A>G, p.Asn41Ser (NM_001193465.2, NM_001193466.2, NM_001379198.1); short protein forms N41S.
Identifiers: ClinVar variation 205765 (VCV000205765.13), dbSNP rs142587760, ClinGen allele CA315156.

ClinVar aggregate classification (germline): Conflicting classifications of pathogenicity. Review status: criteria provided, conflicting classifications (1 of 4 stars). 5 submissions from 5 submitters: Uncertain significance (3); Likely benign (2). Last evaluated 2024-10-29.

Conditions:
Inborn genetic diseases. Identifiers: MedGen C0950123, MeSH D030342.
Koolen-de Vries syndrome (KDVS). Identifiers: Orphanet 96169, MedGen C1864871, MONDO:0012496, OMIM 610443.

Allele frequency attached by ClinVar (database versions not stated): ESP Exome Variant Server 0.00008; ExAC 0.00011; gnomAD 0.00015 and 0.00017; TOPMed 0.00015; 1000 Genomes Project 30x 0.00047; 1000 Genomes Project 0.00060.
gnomAD v4.1: 160 of 1,614,268 alleles (0.0099%); highest among the groups gnomAD compares: African/African-American, 0.036%; no homozygotes.

Submissions (5):

Athena Diagnostics
Classification: Likely benign. Last evaluated: 2024-10-29. Review status: criteria provided, single submitter. Criteria: Athena Diagnostics Criteria. Collection method: clinical testing. Allele origin: unknown.

Ambry Genetics
Classification: Uncertain significance for Inborn genetic diseases. Last evaluated: 2023-04-14. Review status: criteria provided, single submitter. Criteria: Ambry Variant Classification Scheme 2023. Collection method: clinical testing. Allele origin: germline.

Center for Genomics, Ann and Robert H. Lurie Children's Hospital of Chicago
Classification: Uncertain significance for Koolen-de Vries syndrome. Last evaluated: 2022-02-03. Review status: criteria provided, single submitter. Criteria: ACMG Guidelines, 2015. Collection method: clinical testing. Allele origin: germline.
Comment: KANSL1 NM_001193466.1 exon 2 p.Asn41Ser (c.122A>G): This variant has not been reported in the literature but is present in 0.03% (16/41472) of African alleles in the Genome Aggregation Database. This variant is present in ClinVar (Variation ID:205765). This variant amino acid Serine (Ser) is present in several species including mammals and is not well conserved among evolutionarily distant species; this suggests that this variant may not impact the protein. Additional computational prediction tools do not suggest an impact. In summary, data on this variant is insufficient for disease classification. Therefore, the clinical significance of this variant is uncertain.

Labcorp Genetics (formerly Invitae), Labcorp
Classification: Uncertain significance for Koolen-de Vries syndrome. Last evaluated: 2021-09-21. Review status: criteria provided, single submitter. Criteria: Invitae Variant Classification Sherloc (09022015). Collection method: clinical testing. Allele origin: germline.
Comment: Due to the possible presence of a polymorphic segmental duplication, the location of the variant could not be unambiguously resolved. Variants with ambiguous mapping are still reported relative to the KANSL1 transcript. This sequence change replaces asparagine with serine at codon 41 of the KANSL1 or 17q21.31 segmental duplication protein (p.Asn41Ser). The asparagine residue is highly conserved and there is a small physicochemical difference between asparagine and serine. The frequency data for this variant in the population databases (ExAC) is considered unreliable due to the presence of homologous sequence, such as pseudogenes or paralogs, in the genome. This variant has not been reported in the literature in individuals with KANSL1-related conditions. ClinVar contains an entry for this variant (Variation ID: 205765). Algorithms developed to predict the effect of missense changes on protein structure and function (SIFT, PolyPhen-2, Align-GVGD) all suggest that this variant is likely to be tolerated. Until the location of this sequence change can be resolved, the clinical significance of this variant remains uncertain. It has been classified as a Variant of Uncertain Significance.

GeneDx
Classification: Likely benign. Last evaluated: 2020-03-25. Review status: criteria provided, single submitter. Criteria: GeneDx Variant Classification Process June 2021. Collection method: clinical testing. Allele origin: germline. Affected: yes.